The following is an entry in ClinVar:

ClinVar aggregate classification (germline): Uncertain significance (1 of 4 stars; one submission).

Submission:

Labcorp Genetics (formerly Invitae), Labcorp
Classification: Uncertain significance. Last evaluated: 2024-08-28. Review status: criteria provided, single submitter. Criteria: Invitae Variant Classification Sherloc (09022015). Collection method: clinical testing. Allele origin: germline.
Comment: This sequence change falls in intron 3 of the CCDC50 gene. It does not directly change the encoded amino acid sequence of the CCDC50 protein. This variant is not present in population databases (gnomAD no frequency). This variant has not been reported in the literature in individuals affected with CCDC50-related conditions. Algorithms developed to predict the effect of sequence changes on RNA splicing suggest that this variant may create or strengthen a splice site. In summary, the available evidence is currently insufficient to determine the role of this variant in disease. Therefore, it has been classified as a Variant of Uncertain Significance.

NM_178335.3(CCDC50):c.239+13G>A

Gene: CCDC50 (coiled-coil domain containing 50; plus strand). Cytogenetic location: 3q28.
Variant type: single nucleotide variant.
Coding change: c.239+13G>A on transcript NM_178335.3 (MANE Select); 13 bases into the intron after coding-DNA position 239, G replaced by A.
Molecular consequence: intron variant.
Genome position (GRCh38, 1-based): chr3:191,358,137, G>A. VCF-style: chr3-191358137-G-A. GRCh37 (hg19) VCF-style: chr3-191075926-G-A.
Other names: c.239+13G>A (NM_174908.4).
Identifiers: ClinVar variation 3683308 (VCV003683308.2).